The following is an entry in ClinVar:

NM_001297.5(CNGB1):c.515A>G (p.Gln172Arg)

Gene: CNGB1 (cyclic nucleotide gated channel subunit beta 1; minus strand). Cytogenetic location: 16q21.
Variant type: single nucleotide variant.
Coding change: c.515A>G on transcript NM_001297.5 (MANE Select); coding-DNA position 515, A replaced by G.
Protein change: p.Gln172Arg; replaces glutamine 172 with arginine.
Molecular consequence: missense variant.
Genome position (GRCh38, 1-based): chr16:57,960,859, T>C on the plus strand (A>G on the coding strand, the complement: CNGB1 is on the minus strand). VCF-style: chr16-57960859-T-C. GRCh37 (hg19) VCF-style: chr16-57994763-T-C.
Other names: c.515A>G, p.Gln172Arg (NM_001135639.2, NM_001286130.2); short protein forms Q172R.
Identifiers: ClinVar variation 1026598 (VCV001026598.6), dbSNP rs1205356751, ClinGen allele CA396078255.

ClinVar aggregate classification (germline): Uncertain significance (1 of 4 stars; one submission).

Allele frequency attached by ClinVar (database versions not stated): gnomAD exomes below 0.00001; gnomAD 0.00001.
gnomAD v4.1: 3 of 1,613,826 alleles (0.00019%); highest among the groups gnomAD compares: Admixed American, 0.005%; no homozygotes.

Submission:

Labcorp Genetics (formerly Invitae), Labcorp
Classification: Uncertain significance. Last evaluated: 2022-08-16. Review status: criteria provided, single submitter. Criteria: Invitae Variant Classification Sherloc (09022015). Collection method: clinical testing. Allele origin: germline.
Comment: This sequence change replaces glutamine, which is neutral and polar, with arginine, which is basic and polar, at codon 172 of the CNGB1 protein (p.Gln172Arg). This variant is present in population databases (no rsID available, gnomAD 0.003%). This variant has not been reported in the literature in individuals affected with CNGB1-related conditions. ClinVar contains an entry for this variant (Variation ID: 1026598). Advanced modeling of protein sequence and biophysical properties (such as structural, functional, and spatial information, amino acid conservation, physicochemical variation, residue mobility, and thermodynamic stability) performed at Invitae indicates that this missense variant is not expected to disrupt CNGB1 protein function. In summary, the available evidence is currently insufficient to determine the role of this variant in disease. Therefore, it has been classified as a Variant of Uncertain Significance.